The following is an entry in ClinVar:

NM_001083962.2(TCF4):c.415del (p.Leu139fs)

Gene: TCF4 (transcription factor 4; minus strand). Cytogenetic location: 18q21.2.
Variant type: Deletion.
Coding change: c.415del on transcript NM_001083962.2 (MANE Select); coding-DNA position 415, one base deleted (C; older notation c.415delC).
Protein change: p.Leu139fs; shifts the reading frame from leucine 139.
Molecular consequence: frameshift variant.
Genome position (GRCh38, 1-based): chr18:55,350,958, G deleted on the plus strand (C on the coding strand, the reverse complement: TCF4 is on the minus strand); the first of 3 consecutive G bases (chr18:55,350,958-55,350,960); deleting any one gives the same sequence. VCF-style (leftmost placement, unchanged base first): chr18-55350957-AG-A. GRCh37 (hg19) VCF-style: chr18-53018188-AG-A.
Other names: c.721del, p.Leu241fs (NM_001243226.3); c.343del, p.Leu115fs (NM_001243227.2, NM_001306207.1, NM_001348217.1 and 9 more transcripts); c.415del, p.Leu139fs (NM_001243228.2, NM_001330604.3, NM_001369567.1 and 5 more transcripts); c.409del, p.Leu137fs (NM_001243230.2); c.289del, p.Leu97fs (NM_001243231.2, NM_001348211.2); c.202del, p.Leu68fs (NM_001243232.1, NM_001306208.1); c.25del, p.Leu9fs (NM_001243233.2, NM_001330605.3, NM_001348212.2 and 1 more transcripts); c.340del, p.Leu114fs (NM_001348220.1, NM_001369576.1, NM_001369578.1 and 3 more transcripts); and 2 more; short protein forms L139fs, L241fs, L9fs, L137fs, L138fs, L68fs, L115fs, L97fs.
Identifiers: ClinVar variation 160084 (VCV000160084.8), dbSNP rs587784463, ClinGen allele CA272708.

ClinVar aggregate classification (germline): Pathogenic/Likely pathogenic. Review status: criteria provided, multiple submitters, no conflicts (2 of 4 stars). 3 submissions from 3 submitters: Pathogenic (1); Likely pathogenic (2). Last evaluated 2022-01-21.

Conditions:
Pitt-Hopkins syndrome (PTHS). Also called: ENCEPHALOPATHY, SEVERE EPILEPTIC, WITH AUTONOMIC DYSFUNCTION; MENTAL RETARDATION, SYNDROMAL, WITH INTERMITTENT HYPERVENTILATION. Identifiers: Orphanet 2896, MedGen C1970431, MONDO:0012589, OMIM 610954.

Submissions (3):

University of Washington Department of Laboratory Medicine, University of Washington
Classification: Likely pathogenic for Pitt-Hopkins syndrome. Last evaluated: 2022-01-21. Review status: criteria provided, single submitter. Criteria: ACMG Guidelines, 2015. Collection method: clinical testing. Allele origin: unknown. Affected: yes.
Comment: The p.Leu241Phefs*95 variant in the TCF4 gene has not been previously reported in association with disease, but has been submitted to ClinVar (Variation ID: 160084). This variant results in a single base deletion in exon 8 of 21 exons, which causes a shift in the protein reading frame, leading to a premature termination codon 95 amino acids downstream. Nonsense-mediated decay is predicted, which would result in absent protein expression. These predictions have not been tested directly. Heterozygous loss of function leading to haploinsufficiency of the TCF4 gene is an established mechanism of disease. This variant was absent from large population databases, including the Genome Aggregation Database. Using ACMG guidelines, this variant was classified as likely pathogenic for autosomal dominant Pitt-Hopkins syndrome (ACMG evidence codes used: PVS1, PM2_supporting).

Genetic Services Laboratory, University of Chicago
Classification: Pathogenic for Pitt-Hopkins syndrome. Last evaluated: 2013-02-08. Review status: criteria provided, single submitter. Criteria: ACMG Guidelines, 2007. Collection method: clinical testing. Allele origin: germline. Inheritance: Autosomal dominant inheritance. Affected: yes.

Seattle Children's Hospital Molecular Genetics Laboratory, Seattle Children's Hospital
Classification: Likely pathogenic for Pitt-Hopkins syndrome. Review status: criteria provided, single submitter. Criteria: ACMG Guidelines, 2015. Collection method: clinical testing. Allele origin: germline. Affected: yes.
Comment: The p.Leu139Phefs*95 variant substitutes the leucine at amino acid position 139 with phenylalanine followed by a premature stop codon after 95 residues. This is predicted to result in loss-of-function of the TCF4 protein. While the p.Leu139Phefs*95 variant has not been reported in the medical literature, loss-of-function of TCF4 is a known disease mechanism for Pitt-Hopkins syndrome (MIM: 610954) (PMID: 34837432). The p.Leu139Phefs*95 variant is reported in a patient database in an individual with Pitt-Hopkins syndrome (ClinVar Variation ID: 160084). The p.Leu139Phefs*95 variant is absent from large population studies (gnomAD v2.1.1).